The following is an entry in ClinVar:

NM_014908.4(DOLK):c.374del (p.Ser125fs)

Gene: DOLK (dolichol kinase; minus strand). Cytogenetic location: 9q34.11.
Variant type: Deletion.
Coding change: c.374del on transcript NM_014908.4 (MANE Select); coding-DNA position 374, one base deleted (C; older notation c.374delC).
Protein change: p.Ser125fs; shifts the reading frame from serine 125.
Molecular consequence: frameshift variant.
Genome position (GRCh38, 1-based): chr9:128,946,930, G deleted on the plus strand (C on the coding strand, the reverse complement: DOLK is on the minus strand). VCF-style (leftmost placement, unchanged base first): chr9-128946929-TG-T. GRCh37 (hg19) VCF-style: chr9-131709208-TG-T.
Other names: short protein forms S125fs.
Identifiers: ClinVar variation 1423104 (VCV001423104.8), dbSNP rs1156844272, ClinGen allele CA860310571.

ClinVar aggregate classification (germline): Conflicting classifications of pathogenicity. Review status: criteria provided, conflicting classifications (1 of 4 stars). 2 submissions from 2 submitters: Pathogenic (1); Uncertain significance (1). Last evaluated 2022-08-08.

Conditions:
DK1-congenital disorder of glycosylation. Also called: DOLK-congenital disorder of glycosylation; Carbohydrate deficient glycoprotein syndrome type 1m; CDG Im; DK1 DEFICIENCY; DOLICHOL KINASE DEFICIENCY; CONGENITAL DISORDER OF GLYCOSYLATION, TYPE Im. Identifiers: Orphanet 91131, MedGen C1835849, MONDO:0012556, OMIM 610768.
Cardiovascular phenotype. Identifiers: MedGen CN230736.

Allele frequency attached by ClinVar (database versions not stated): gnomAD exomes below 0.00001; gnomAD 0.00001; TOPMed 0.00002.

Submissions (2):

Ambry Genetics
Classification: Pathogenic for Cardiovascular phenotype. Last evaluated: 2022-08-08. Review status: criteria provided, single submitter. Criteria: Ambry Variant Classification Scheme 2023. Collection method: clinical testing. Allele origin: germline.
Comment: The c.374delC pathogenic mutation, located in coding exon 1 of the DOLK gene, results from a deletion of one nucleotide at nucleotide position 374, causing a translational frameshift with a predicted alternate stop codon (p.S125Yfs*31). This alteration occurs at the 3' terminus of theDOLK gene, is not expected to trigger nonsense-mediated mRNA decay, and impacts the last 76% of the protein. However, premature stop codons are typically deleterious in nature and a significant portion of the protein is affected (Ambry internal data). This alteration has been reported in a dilated cardiomyopathy (DCM) cohort (Mazzarotto F et al. Circulation, 2020 02;141:387-398). This variant is considered to be rare based on population cohorts in the Genome Aggregation Database (gnomAD). As such, this alteration is interpreted as a disease-causing mutation.

Labcorp Genetics (formerly Invitae), Labcorp
Classification: Uncertain significance for DK1-congenital disorder of glycosylation. Last evaluated: 2022-02-03. Review status: criteria provided, single submitter. Criteria: Invitae Variant Classification Sherloc (09022015). Collection method: clinical testing. Allele origin: germline.
Comment: This variant is not present in population databases (gnomAD no frequency). This sequence change creates a premature translational stop signal (p.Ser125Tyrfs*31) in the DOLK gene. While this is not anticipated to result in nonsense mediated decay, it is expected to disrupt the last 414 amino acid(s) of the DOLK protein. This premature translational stop signal has been observed in individual(s) with dilated cardiomyopathy (PMID: 31983221). Experimental studies and prediction algorithms are not available or were not evaluated, and the functional significance of this variant is currently unknown. In summary, the available evidence is currently insufficient to determine the role of this variant in disease. Therefore, it has been classified as a Variant of Uncertain Significance.

Literature cited by the submitters: PubMed 31983221 (cited by Ambry Genetics and Labcorp Genetics (formerly Invitae), Labcorp).